The following is an entry in ClinVar:

NM_002225.5(IVD):c.233G>C (p.Arg78Pro)

Gene: IVD (isovaleryl-CoA dehydrogenase; plus strand). Cytogenetic location: 15q15.1.
Variant type: single nucleotide variant.
Coding change: c.233G>C on transcript NM_002225.5 (MANE Select); coding-DNA position 233, G replaced by C.
Protein change: p.Arg78Pro; replaces arginine 78 with proline.
Molecular consequence: missense variant. On other transcripts: non-coding transcript variant (1), intron variant (1).
Genome position (GRCh38, 1-based): chr15:40,407,724, G>C. VCF-style: chr15-40407724-G-C. GRCh37 (hg19) VCF-style: chr15-40699925-G-C.
Other names: c.185G>C, p.Arg62Pro (NM_001354597.3); c.233G>C, p.Arg78Pro (NM_001354598.3, NM_001354599.3, NM_001354600.3 and 1 more transcripts); c.145-215G>C (NM_001159508.3); short protein forms R78P, R62P.
Identifiers: ClinVar variation 459927 (VCV000459927.9), dbSNP rs771929559, ClinGen allele CA7480536.
Genomic context (GRCh38, chr15:40,407,724, plus strand): 5'-AGGAGCACCTGGCCCCCAAGGCCCAGGAGATCGATCGCAGCAATGAGTTCAAGAACCTGC[G>C]AGTGAGTTGGGAGGTCCGGGCAGTCGGGGGCAGTCAGGGAGTGGGGCTGAGCTGCACTGC-3'
Protein context (NP_002216.3, residues 68-88): IDRSNEFKNL[Arg78Pro]EFWKQLGNLG

ClinVar aggregate classification (germline): Uncertain significance. Review status: criteria provided, multiple submitters, no conflicts (2 of 4 stars). 3 submissions from 3 submitters: Uncertain significance (2). 1 of the submissions does not count toward it. Last evaluated 2026-01-12.

Conditions:
Inborn genetic diseases. Identifiers: MedGen C0950123, MeSH D030342.
Isovaleryl-CoA dehydrogenase deficiency (IVA). Also called: Classic Isovaleric Acidemia; ISOVALERIC ACID CoA DEHYDROGENASE DEFICIENCY; IVD DEFICIENCY; Isovaleric acidemia. Identifiers: Orphanet 33, MedGen C0268575, MONDO:0009475, OMIM 243500.

Allele frequency attached by ClinVar (database versions not stated): TOPMed 0.00002.
gnomAD v4.1: 23 of 1,613,764 alleles (0.0014%); highest among the groups gnomAD compares: Non-Finnish European, 0.0019%; no homozygotes.

Submissions (3):

Labcorp Genetics (formerly Invitae), Labcorp
Classification: Uncertain significance for Isovaleryl-CoA dehydrogenase deficiency. Last evaluated: 2026-01-12. Review status: criteria provided, single submitter. Criteria: Invitae Variant Classification Sherloc (09022015). Collection method: clinical testing. Allele origin: germline.
Comment: This sequence change replaces arginine, which is basic and polar, with proline, which is neutral and non-polar, at codon 81 of the IVD protein (p.Arg81Pro). The frequency data for this variant in the population databases is considered unreliable, as metrics indicate poor data quality at this position in the gnomAD database. This variant has not been reported in the literature in individuals affected with IVD-related conditions. ClinVar contains an entry for this variant (Variation ID: 459927). An algorithm developed to predict the effect of missense changes on protein structure and function (PolyPhen-2) suggests that this variant is likely to be disruptive. In summary, the available evidence is currently insufficient to determine the role of this variant in disease. Therefore, it has been classified as a Variant of Uncertain Significance.

Ambry Genetics
Classification: Uncertain significance for Inborn genetic diseases. Last evaluated: 2024-09-12. Review status: criteria provided, single submitter. Criteria: Ambry Variant Classification Scheme 2023. Collection method: clinical testing. Allele origin: germline.
Comment: The c.242G>C (p.R81P) alteration is located in exon 2 (coding exon 2) of the IVD gene. This alteration results from a G to C substitution at nucleotide position 242, causing the arginine (R) at amino acid position 81 to be replaced by a proline (P). Based on data from gnomAD, the C allele has an overall frequency of 0.001% (2/251466) total alleles studied. The highest observed frequency was 0.002% (2/113750) of European (non-Finnish) alleles. This amino acid position is highly conserved in available vertebrate species. This alteration is predicted to be deleterious by in silico analysis. Based on insufficient or conflicting evidence, the clinical significance of this alteration remains unclear.

Natera, Inc.
Classification: Uncertain significance for Isovaleryl-coa dehydrogenase deficiency. Last evaluated: 2021-06-23. Review status: no assertion criteria provided. Collection method: clinical testing. Allele origin: germline. Not counted in ClinVar's aggregate classification.